The following is an entry in ClinVar:

NM_018249.6(CDK5RAP2):c.2289C>T (p.His763=)

Gene: CDK5RAP2 (CDK5 regulatory subunit associated protein 2; minus strand). Cytogenetic location: 9q33.2.
Variant type: single nucleotide variant.
Coding change: c.2289C>T on transcript NM_018249.6 (MANE Select); coding-DNA position 2289, C replaced by T.
Protein change: p.His763=; no amino-acid change (histidine 763 retained).
Molecular consequence: synonymous variant. On other transcripts: non-coding transcript variant (5), intron variant (1).
Genome position (GRCh38, 1-based): chr9:120,458,536, G>A on the plus strand (C>T on the coding strand, the complement: CDK5RAP2 is on the minus strand). VCF-style: chr9-120458536-G-A. GRCh37 (hg19) VCF-style: chr9-123220814-G-A.
Other names: c.2289C>T, p.His763= (NM_001011649.3); c.2103+9324C>T (NM_001272039.2).
Identifiers: ClinVar variation 158133 (VCV000158133.52), dbSNP rs36001459, ClinGen allele CA171567.

ClinVar aggregate classification (germline): Benign/Likely benign. Review status: criteria provided, multiple submitters, no conflicts (2 of 4 stars). 7 submissions from 7 submitters: Benign (2); Likely benign (4). 1 of the submissions does not count toward it. Last evaluated 2025-12-25.

Conditions:
CDK5RAP2-related disorder. Also called: CDK5RAP2-related condition.

Allele frequency attached by ClinVar (database versions not stated): TOPMed 0.00053; gnomAD 0.00059 and 0.00062; 1000 Genomes Project 30x 0.00078; gnomAD exomes 0.00088 and 0.00107; ESP Exome Variant Server 0.00092; 1000 Genomes Project 0.00100; ExAC 0.00133.
gnomAD v4.1: 1,387 of 1,614,088 alleles (0.086%); highest among the groups gnomAD compares: Non-Finnish European, 0.1%; 6 homozygotes.

Submissions (7):

Labcorp Genetics (formerly Invitae), Labcorp
Classification: Benign. Last evaluated: 2025-12-25. Review status: criteria provided, single submitter. Criteria: Invitae Variant Classification Sherloc (09022015). Collection method: clinical testing. Allele origin: germline.

CeGaT Center for Human Genetics Tuebingen
Classification: Likely benign. Last evaluated: 2025-03-01. Review status: criteria provided, single submitter. Criteria: CeGaT Center For Human Genetics Tuebingen Variant Classification Criteria Version 2. Collection method: clinical testing. Allele origin: germline. Affected: yes. Observed: 8 variant alleles.
Comment: CDK5RAP2: BP4, BP7

Blueprint Genetics
Classification: Likely benign. Last evaluated: 2024-11-20. Review status: criteria provided, single submitter. Criteria: ACMG Guidelines, 2015. Collection method: clinical testing. Allele origin: germline.

GeneDx
Classification: Likely benign. Last evaluated: 2020-11-24. Review status: criteria provided, single submitter. Criteria: GeneDx Variant Classification Process June 2021. Collection method: clinical testing. Allele origin: germline. Affected: yes.

Genetic Services Laboratory, University of Chicago
Classification: Benign. Last evaluated: 2013-02-08. Review status: criteria provided, single submitter. Criteria: ACMG Guidelines, 2007. Collection method: clinical testing. Allele origin: germline. Inheritance: Autosomal recessive inheritance.

Breakthrough Genomics
Classification: Likely benign. Review status: criteria provided, single submitter. Criteria: ACMG Guidelines, 2015. Collection method: not provided. Allele origin: germline. Inheritance: Autosomal recessive inheritance. Affected: yes.

PreventionGenetics, part of Exact Sciences
Classification: Likely benign for CDK5RAP2-related condition. Last evaluated: 2019-10-28. Review status: no assertion criteria provided. Collection method: clinical testing. Allele origin: germline. Not counted in ClinVar's aggregate classification.
Comment: This variant is classified as likely benign based on ACMG/AMP sequence variant interpretation guidelines (Richards et al. 2015 PMID: 25741868, with internal and published modifications).